The following is an entry in ClinVar:

NM_001165963.4(SCN1A):c.4168G>T (p.Val1390Leu)

Genes: SCN1A (sodium voltage-gated channel alpha subunit 1; minus strand), LOC102724058 (uncharacterized LOC102724058; plus strand). Cytogenetic location: 2q24.3.
Variant type: single nucleotide variant.
Coding change: c.4168G>T on transcript NM_001165963.4 (MANE Select); coding-DNA position 4168, G replaced by T.
Protein change: p.Val1390Leu; replaces valine 1390 with leucine.
Molecular consequence: missense variant. On other transcripts: non-coding transcript variant (1).
Genome position (GRCh38, 1-based): chr2:166,002,588, C>A on the plus strand (G>T on the coding strand, the complement: SCN1A is on the minus strand). VCF-style: chr2-166002588-C-A. GRCh37 (hg19) VCF-style: chr2-166859098-C-A.
Other names: c.4084G>T, p.Val1362Leu (NM_001165964.3, NM_001353957.2, NM_001353958.2); c.4168G>T, p.Val1390Leu (NM_001202435.3, NM_001353948.2); c.4135G>T, p.Val1379Leu (NM_001353949.2, NM_001353950.2, NM_001353951.2 and 2 more transcripts); c.4132G>T, p.Val1378Leu (NM_001353954.2, NM_001353955.2); c.4081G>T, p.Val1361Leu (NM_001353960.2); c.1726G>T, p.Val576Leu (NM_001353961.2); short protein forms V1379L, V1361L, V1378L, V1390L, V576L, V1362L.
Identifiers: ClinVar variation 2734302 (VCV002734302.3), dbSNP rs121917986, ClinGen allele CA349050206.

ClinVar aggregate classification (germline): Pathogenic (1 of 4 stars; one submission).

Conditions:
Early-infantile DEE. Also called: Early infantile epileptic encephalopathy; Early infantile epileptic encephalopathy with suppression bursts; Ohtahara syndrome. Identifiers: Orphanet 1934, MedGen C0393706, MONDO:0800491.

Submission:

Labcorp Genetics (formerly Invitae), Labcorp
Classification: Pathogenic for Early-infantile DEE. Last evaluated: 2022-11-23. Review status: criteria provided, single submitter. Criteria: Invitae Variant Classification Sherloc (09022015). Collection method: clinical testing. Allele origin: germline.
Comment: This sequence change replaces valine, which is neutral and non-polar, with leucine, which is neutral and non-polar, at codon 1390 of the SCN1A protein (p.Val1390Leu). This variant is not present in population databases (gnomAD no frequency). This missense change has been observed in individuals with SCN1A-related conditions (PMID: 21775168; Invitae). It has also been observed to segregate with disease in related individuals. This variant is also known as c.4135G>T (p.Val1379Leu) in transcript NM_006920.4. Algorithms developed to predict the effect of missense changes on protein structure and function (SIFT, PolyPhen-2, Align-GVGD) all suggest that this variant is likely to be disruptive. This variant disrupts the p.Val1390 amino acid residue in SCN1A. Other variant(s) that disrupt this residue have been determined to be pathogenic (PMID: 12083760, 20431604, 22780858, 23762420, 29141279, 30182498). This suggests that this residue is clinically significant, and that variants that disrupt this residue are likely to be disease-causing. For these reasons, this variant has been classified as Pathogenic.

Literature cited by the submitters: PubMed 21775168; PubMed 12083760; PubMed 20431604; PubMed 22780858; PubMed 23762420; PubMed 29141279; PubMed 30182498.